The following is an entry in ClinVar:

ClinVar aggregate classification (germline): Likely benign (1 of 4 stars; one submission).

Conditions:
PLXNA3-related disorder. Also called: PLXNA3-related condition.

Submission:

PreventionGenetics, part of Exact Sciences
Classification: Likely benign for PLXNA3-related condition. Last evaluated: 2026-01-07. Review status: criteria provided, single submitter. Criteria: ACMG Guidelines, 2015. Collection method: clinical testing. Allele origin: germline.
Comment: This variant is classified as likely benign based on ACMG/AMP sequence variant interpretation guidelines (Richards et al. 2015 PMID: 25741868, with internal and published modifications).

NM_017514.5(PLXNA3):c.2338C>A (p.Arg780=)

Gene: PLXNA3 (plexin A3; plus strand). Cytogenetic location: Xq28.
Variant type: single nucleotide variant.
Coding change: c.2338C>A on transcript NM_017514.5 (MANE Select); coding-DNA position 2338, C replaced by A.
Protein change: p.Arg780=; no amino-acid change (arginine 780 retained).
Molecular consequence: synonymous variant.
Genome position (GRCh38, 1-based): chrX:154,465,517, C>A. VCF-style: chrX-154465517-C-A. GRCh37 (hg19) VCF-style: chrX-153693860-C-A.
Identifiers: ClinVar variation 4983848 (VCV004983848.1).